The following is an entry in ClinVar:

NM_000051.4(ATM):c.139T>G (p.Ser47Ala)

Gene: ATM (ATM serine/threonine kinase; plus strand). Cytogenetic location: 11q22.3.
Variant type: single nucleotide variant.
Coding change: c.139T>G on transcript NM_000051.4 (MANE Select); coding-DNA position 139, T replaced by G.
Protein change: p.Ser47Ala; replaces serine 47 with alanine.
Molecular consequence: missense variant.
Genome position (GRCh38, 1-based): chr11:108,227,842, T>G. VCF-style: chr11-108227842-T-G. GRCh37 (hg19) VCF-style: chr11-108098569-T-G.
Other names: c.139T>G, p.Ser47Ala (NM_001351834.2, NM_001351835.2, NM_001351836.2); short protein forms S47A.
Identifiers: ClinVar variation 1771748 (VCV001771748.2), dbSNP rs2135013546, ClinGen allele CA382520095.

ClinVar aggregate classification (germline): Uncertain significance (1 of 4 stars; one submission).

Conditions:
Hereditary cancer-predisposing syndrome. Also called: Hereditary Cancer Syndrome; Hereditary neoplastic syndrome; Neoplastic Syndromes, Hereditary; Tumor predisposition. Identifiers: Orphanet 140162, MedGen C0027672, MeSH D009386, MONDO:0015356.

Submission:

Ambry Genetics
Classification: Uncertain significance for Hereditary cancer-predisposing syndrome. Last evaluated: 2020-02-07. Review status: criteria provided, single submitter. Criteria: Ambry Variant Classification Scheme 2023. Collection method: clinical testing. Allele origin: germline.
Comment: The p.S47A variant (also known as c.139T>G), located in coding exon 2 of the ATM gene, results from a T to G substitution at nucleotide position 139. The serine at codon 47 is replaced by alanine, an amino acid with similar properties. This amino acid position is highly conserved in available vertebrate species. In addition, this alteration is predicted to be tolerated by in silico analysis. Since supporting evidence is limited at this time, the clinical significance of this alteration remains unclear.